The following is an entry in ClinVar:

NM_000593.6(TAP1):c.1845_1858dup (p.Gly620delinsValGlnTer)

Gene: TAP1 (transporter 1, ATP binding cassette subfamily B member; minus strand). Cytogenetic location: 6p21.32.
Variant type: Duplication.
Coding change: c.1845_1858dup on transcript NM_000593.6 (MANE Select); coding-DNA positions 1845 to 1858, 14 bases duplicated (TGCAGTAAAGTCTG).
Protein change: p.Gly620delinsValGlnTer.
Molecular consequence: nonsense.
Genome position (GRCh38, 1-based): chr6:32,847,558-32,847,571, CAGACTTTACTGCA duplicated on the plus strand (TGCAGTAAAGTCTG on the coding strand, the reverse complement: TAP1 is on the minus strand). VCF-style (leftmost placement, unchanged base first): chr6-32847557-C-CCAGACTTTACTGCA. GRCh37 (hg19) VCF-style: chr6-32815334-C-CCAGACTTTACTGCA.
Other names: c.1242_1255dup, p.Gly419delinsValGlnTer (NM_001292022.2).
Identifiers: ClinVar variation 3648549 (VCV003648549.2).

ClinVar aggregate classification (germline): Pathogenic (1 of 4 stars; one submission).

Conditions:
MHC class I deficiency. Identifiers: Orphanet 34592, MedGen C6024714, MONDO:0011476.

Submission:

Labcorp Genetics (formerly Invitae), Labcorp
Classification: Pathogenic for MHC class I deficiency 1. Last evaluated: 2024-04-08. Review status: criteria provided, single submitter. Criteria: Invitae Variant Classification Sherloc (09022015). Collection method: clinical testing. Allele origin: germline.
Comment: This sequence change creates a premature translational stop signal (p.Gly680Valfs*3) in the TAP1 gene. It is expected to result in an absent or disrupted protein product. Loss-of-function variants in TAP1 are known to be pathogenic (PMID: 10074494, 10074495). This variant is not present in population databases (gnomAD no frequency). This variant has not been reported in the literature in individuals affected with TAP1-related conditions. For these reasons, this variant has been classified as Pathogenic.

Literature cited by the submitters: PubMed 10074494; PubMed 10074495.